The following is an entry in ClinVar:

NM_001352514.2(HLCS):c.481C>G (p.Gln161Glu)

Gene: HLCS (holocarboxylase synthetase; minus strand). Cytogenetic location: 21q22.13.
Variant type: single nucleotide variant.
Coding change: c.481C>G on transcript NM_001352514.2 (MANE Select); coding-DNA position 481, C replaced by G.
Protein change: p.Gln161Glu; replaces glutamine 161 with glutamic acid.
Molecular consequence: missense variant. On other transcripts: non-coding transcript variant (2).
Genome position (GRCh38, 1-based): chr21:36,938,844, G>C on the plus strand (C>G on the coding strand, the complement: HLCS is on the minus strand). VCF-style: chr21-36938844-G-C. GRCh37 (hg19) VCF-style: chr21-38311144-G-C.
Other names: c.40C>G, p.Gln14Glu (NM_000411.8, NM_001242784.3, NM_001242785.2 and 4 more transcripts); c.40C>G (NM_000411.6); short protein forms Q14E, Q161E.
Identifiers: ClinVar variation 2076124 (VCV002076124.4), dbSNP rs2067012346, ClinGen allele CA409914479.

ClinVar aggregate classification (germline): Uncertain significance. Review status: criteria provided, multiple submitters, no conflicts (2 of 4 stars). 2 submissions from 2 submitters: Uncertain significance (2). Last evaluated 2024-10-15.

Conditions:
Inborn genetic diseases. Identifiers: MedGen C0950123, MeSH D030342.
Holocarboxylase synthetase deficiency. Also called: MULTIPLE CARBOXYLASE DEFICIENCY, EARLY ONSET. Identifiers: Orphanet 79242, MedGen C0268581, MONDO:0009666, OMIM 253270.

Allele frequency attached by ClinVar (database versions not stated): gnomAD exomes below 0.00001; TOPMed 0.00001.
gnomAD v4.1: 2 of 1,613,828 alleles (0.00012%); highest among the groups gnomAD compares: Non-Finnish European, 0.000085%; no homozygotes.

Submissions (2):

Labcorp Genetics (formerly Invitae), Labcorp
Classification: Uncertain significance for Holocarboxylase synthetase deficiency. Last evaluated: 2024-10-15. Review status: criteria provided, single submitter. Criteria: Invitae Variant Classification Sherloc (09022015). Collection method: clinical testing. Allele origin: germline.
Comment: This sequence change replaces glutamine, which is neutral and polar, with glutamic acid, which is acidic and polar, at codon 14 of the HLCS protein (p.Gln14Glu). This variant is not present in population databases (gnomAD no frequency). This variant has not been reported in the literature in individuals affected with HLCS-related conditions. ClinVar contains an entry for this variant (Variation ID: 2076124). Invitae Evidence Modeling of protein sequence and biophysical properties (such as structural, functional, and spatial information, amino acid conservation, physicochemical variation, residue mobility, and thermodynamic stability) indicates that this missense variant is not expected to disrupt HLCS protein function with a negative predictive value of 95%. In summary, the available evidence is currently insufficient to determine the role of this variant in disease. Therefore, it has been classified as a Variant of Uncertain Significance.

Ambry Genetics
Classification: Uncertain significance for Inborn genetic diseases. Last evaluated: 2023-12-18. Review status: criteria provided, single submitter. Criteria: Ambry Variant Classification Scheme 2023. Collection method: clinical testing. Allele origin: germline.